The following is an entry in ClinVar:

NM_001429.4(EP300):c.5966T>G (p.Met1989Arg)

Gene: EP300 (EP300 lysine acetyltransferase; plus strand). Cytogenetic location: 22q13.2.
Variant type: single nucleotide variant.
Coding change: c.5966T>G on transcript NM_001429.4 (MANE Select); coding-DNA position 5966, T replaced by G.
Protein change: p.Met1989Arg; replaces methionine 1989 with arginine.
Molecular consequence: missense variant.
Genome position (GRCh38, 1-based): chr22:41,177,677, T>G. VCF-style: chr22-41177677-T-G. GRCh37 (hg19) VCF-style: chr22-41573681-T-G.
Other names: c.5888T>G, p.Met1963Arg (NM_001362843.2); c.5966T>G (NM_001429.3); short protein forms M1989R, M1963R.
Identifiers: ClinVar variation 623994 (VCV000623994.47), dbSNP rs760421892, ClinGen allele CA10253746.

ClinVar aggregate classification (germline): Uncertain significance. Review status: criteria provided, multiple submitters, no conflicts (2 of 4 stars). 3 submissions from 3 submitters: Uncertain significance (2). 1 of the submissions does not count toward it. Last evaluated 2023-05-11.

Conditions:
Rubinstein-Taybi syndrome due to EP300 haploinsufficiency. Also called: EP300-Related Rubinstein-Taybi Syndrome; RUBINSTEIN-TAYBI SYNDROME 2. Identifiers: Orphanet 353284, Orphanet 783, MedGen C3150941, MONDO:0013364, OMIM 613684.
EP300-related disorder. Also called: EP300-related disorders; EP300-related condition.

Allele frequency attached by ClinVar (database versions not stated): TOPMed below 0.00001; ExAC 0.00001; gnomAD 0.00001; gnomAD exomes 0.00001.

Submissions (3):

Labcorp Genetics (formerly Invitae), Labcorp
Classification: Uncertain significance for Rubinstein-Taybi syndrome due to EP300 haploinsufficiency. Last evaluated: 2023-05-11. Review status: criteria provided, single submitter. Criteria: Invitae Variant Classification Sherloc (09022015). Collection method: clinical testing. Allele origin: germline.
Comment: In summary, the available evidence is currently insufficient to determine the role of this variant in disease. Therefore, it has been classified as a Variant of Uncertain Significance. Advanced modeling of protein sequence and biophysical properties (such as structural, functional, and spatial information, amino acid conservation, physicochemical variation, residue mobility, and thermodynamic stability) performed at Invitae indicates that this missense variant is not expected to disrupt EP300 protein function. ClinVar contains an entry for this variant (Variation ID: 623994). This variant has not been reported in the literature in individuals affected with EP300-related conditions. This variant is present in population databases (rs760421892, gnomAD 0.003%). This sequence change replaces methionine, which is neutral and non-polar, with arginine, which is basic and polar, at codon 1989 of the EP300 protein (p.Met1989Arg).

CeGaT Center for Human Genetics Tuebingen
Classification: Uncertain significance. Last evaluated: 2018-09-01. Review status: criteria provided, single submitter. Criteria: CeGaT Center For Human Genetics Tuebingen Variant Classification Criteria Version 2. Collection method: clinical testing. Allele origin: germline. Affected: yes. Observed: 1 variant allele.

PreventionGenetics, part of Exact Sciences
Classification: Uncertain significance for EP300-related condition. Last evaluated: 2024-08-29. Review status: no assertion criteria provided. Collection method: clinical testing. Allele origin: germline. Not counted in ClinVar's aggregate classification.
Comment: The EP300 c.5966T>G variant is predicted to result in the amino acid substitution p.Met1989Arg. To our knowledge, this variant has not been reported in the literature. This variant is reported in 0.0026% of alleles in individuals of European (Non-Finnish) descent in gnomAD. At this time, the clinical significance of this variant is uncertain due to the absence of conclusive functional and genetic evidence.